The following is an entry in ClinVar:

ClinVar aggregate classification (germline): Uncertain significance (1 of 4 stars; one submission).

Submission:

Labcorp Genetics (formerly Invitae), Labcorp
Classification: Uncertain significance. Last evaluated: 2022-12-23. Review status: criteria provided, single submitter. Criteria: Invitae Variant Classification Sherloc (09022015). Collection method: clinical testing. Allele origin: germline.
Comment: This sequence change replaces serine, which is neutral and polar, with asparagine, which is neutral and polar, at codon 645 of the RASGRP1 protein (p.Ser645Asn). This variant is not present in population databases (gnomAD no frequency). This variant has not been reported in the literature in individuals affected with RASGRP1-related conditions. Advanced modeling of protein sequence and biophysical properties (such as structural, functional, and spatial information, amino acid conservation, physicochemical variation, residue mobility, and thermodynamic stability) performed at Invitae indicates that this missense variant is not expected to disrupt RASGRP1 protein function. In summary, the available evidence is currently insufficient to determine the role of this variant in disease. Therefore, it has been classified as a Variant of Uncertain Significance.

NM_005739.4(RASGRP1):c.1934G>A (p.Ser645Asn)

Gene: RASGRP1 (RAS guanyl releasing protein 1; minus strand). Cytogenetic location: 15q14.
Variant type: single nucleotide variant.
Coding change: c.1934G>A on transcript NM_005739.4 (MANE Select); coding-DNA position 1934, G replaced by A.
Protein change: p.Ser645Asn; replaces serine 645 with asparagine.
Molecular consequence: missense variant. On other transcripts: intron variant (1).
Genome position (GRCh38, 1-based): chr15:38,494,707, C>T on the plus strand (G>A on the coding strand, the complement: RASGRP1 is on the minus strand). VCF-style: chr15-38494707-C-T. GRCh37 (hg19) VCF-style: chr15-38786908-C-T.
Other names: c.1829G>A, p.Ser610Asn (NM_001128602.2); c.1769-4019G>A (NM_001306086.2); short protein forms S610N, S645N.
Identifiers: ClinVar variation 2874031 (VCV002874031.3), dbSNP rs2542848089, ClinGen allele CA391662387.